The following is an entry in ClinVar:

ClinVar aggregate classification (germline): Likely pathogenic (1 of 4 stars; one submission).

Conditions:
Hereditary cancer-predisposing syndrome. Also called: Neoplastic Syndromes, Hereditary; Tumor predisposition; Hereditary neoplastic syndrome; Hereditary Cancer Syndrome. Identifiers: Orphanet 140162, MedGen C0027672, MeSH D009386, MONDO:0015356.

Submission:

Ambry Genetics
Classification: Likely pathogenic for Hereditary cancer-predisposing syndrome. Last evaluated: 2025-08-15. Review status: criteria provided, single submitter. Criteria: Ambry Variant Classification Scheme 2023. Collection method: clinical testing. Allele origin: germline.
Comment: The p.Y149H variant (also known as c.445T>C), located in coding exon 5 of the MUTYH gene, results from a T to C substitution at nucleotide position 445. The tyrosine at codon 149 is replaced by histidine, an amino acid with similar properties. In a massively parallel cell-based functional assay testing 7,8-dihydro-8-oxoguanine:adenine (8OG:A) repair activity, a byproduct of oxidative damage, this variant was reported to be non-functional (Hemker SL et al. Am J Hum Genet. Published online July 29, 2025. DOI: 10.1016/j.ajhg.2025.07.005). This amino acid position is highly conserved in available vertebrate species. In addition, this alteration is predicted to be deleterious by in silico analysis. This variant is considered to be rare based on population cohorts in the Genome Aggregation Database (gnomAD). Based on the majority of available evidence to date, this variant is likely to be pathogenic.

Literature cited by the submitters: PubMed 40738107.

NM_001048174.2(MUTYH):c.361T>C (p.Tyr121His)

Gene: MUTYH (mutY DNA glycosylase; minus strand). Cytogenetic location: 1p34.1.
Variant type: single nucleotide variant.
Coding change: c.361T>C on transcript NM_001048174.2 (MANE Select); coding-DNA position 361, T replaced by C.
Protein change: p.Tyr121His; replaces tyrosine 121 with histidine.
Molecular consequence: missense variant. On other transcripts: non-coding transcript variant (6), intron variant (3).
Genome position (GRCh38, 1-based): chr1:45,333,114, A>G on the plus strand (T>C on the coding strand, the complement: MUTYH is on the minus strand). VCF-style: chr1-45333114-A-G. GRCh37 (hg19) VCF-style: chr1-45798786-A-G.
Other names: c.361T>C, p.Tyr121His (NM_001048171.2, NM_001048173.2, NM_001293195.2 and 6 more transcripts); c.364T>C, p.Tyr122His (NM_001048172.2, NM_001407071.1, NM_001407078.1 and 2 more transcripts); c.445T>C, p.Tyr149His (NM_001128425.2); c.406T>C, p.Tyr136His (NM_001293190.2); c.394T>C, p.Tyr132His (NM_001293191.2, NM_001407077.1); c.85T>C, p.Tyr29His (NM_001293192.2, NM_001293196.2, NM_001407091.1); c.436T>C, p.Tyr146His (NM_001407069.1, NM_012222.3); c.403T>C, p.Tyr135His (NM_001407073.1, NM_001407083.1, NM_001407085.1); and 3 more; short protein forms Y121H, Y122H, Y128H, Y132H, Y135H, Y136H, Y146H, Y149H.
Identifiers: ClinVar variation 3233041 (VCV003233041.2), dbSNP rs2524219849, ClinGen allele CA340136100.